The following is an entry in ClinVar:

ClinVar aggregate classification (germline): Uncertain significance (1 of 4 stars; one submission).

Conditions:
Hereditary cancer-predisposing syndrome. Also called: Neoplastic Syndromes, Hereditary; Tumor predisposition; Hereditary Cancer Syndrome; Hereditary neoplastic syndrome. Identifiers: Orphanet 140162, MedGen C0027672, MeSH D009386, MONDO:0015356.

Submission:

Ambry Genetics
Classification: Uncertain significance for Hereditary cancer-predisposing syndrome. Last evaluated: 2025-11-04. Review status: criteria provided, single submitter. Criteria: Ambry Variant Classification Scheme 2023. Collection method: clinical testing. Allele origin: germline.
Comment: The p.T1242I variant (also known as c.3725C>T), located in coding exon 24 of the ATM gene, results from a C to T substitution at nucleotide position 3725. The threonine at codon 1242 is replaced by isoleucine, an amino acid with similar properties. This amino acid position is conserved. In addition, this alteration is predicted to be tolerated by in silico analysis. Based on the available evidence, the clinical significance of this variant remains unclear.

NM_000051.4(ATM):c.3725C>T (p.Thr1242Ile)

Gene: ATM (ATM serine/threonine kinase; plus strand). Cytogenetic location: 11q22.3.
Variant type: single nucleotide variant.
Coding change: c.3725C>T on transcript NM_000051.4 (MANE Select); coding-DNA position 3725, C replaced by T.
Protein change: p.Thr1242Ile; replaces threonine 1242 with isoleucine.
Molecular consequence: missense variant.
Genome position (GRCh38, 1-based): chr11:108,282,858, C>T. VCF-style: chr11-108282858-C-T. GRCh37 (hg19) VCF-style: chr11-108153585-C-T.
Other names: c.3725C>T, p.Thr1242Ile (NM_001351834.2); short protein forms T1242I.
Identifiers: ClinVar variation 4618189 (VCV004618189.1).